The following is an entry in ClinVar:

ClinVar aggregate classification (germline): Uncertain significance. Review status: criteria provided, multiple submitters, no conflicts (2 of 4 stars). 3 submissions from 3 submitters: Uncertain significance (3). Last evaluated 2024-12-17.

Conditions:
Familial cancer of breast. Also called: Hereditary breast cancer; hereditary breast carcinoma; BREAST CANCER, FAMILIAL. Identifiers: Orphanet 227535, MedGen C0346153, MONDO:0016419, OMIM 114480. Disease mechanism: loss of function.
Fanconi anemia complementation group J. Also called: BRIP1-Related Fanconi Anemia. Identifiers: Orphanet 84, MedGen C1836860, MONDO:0012187, OMIM 609054.
Hereditary cancer-predisposing syndrome. Also called: Hereditary Cancer Syndrome; Neoplastic Syndromes, Hereditary; Hereditary neoplastic syndrome; Tumor predisposition. Identifiers: Orphanet 140162, MedGen C0027672, MeSH D009386, MONDO:0015356.

gnomAD v4.1: 3 of 1,613,848 alleles (0.00019%); highest among the groups gnomAD compares: South Asian, 0.0011%; no homozygotes.

Submissions (3):

Ambry Genetics
Classification: Uncertain significance for Hereditary cancer-predisposing syndrome. Last evaluated: 2024-12-17. Review status: criteria provided, single submitter. Criteria: Ambry Variant Classification Scheme 2023. Collection method: clinical testing. Allele origin: germline.
Comment: The p.G649D variant (also known as c.1946G>A), located in coding exon 13 of the BRIP1 gene, results from a G to A substitution at nucleotide position 1946. The glycine at codon 649 is replaced by aspartic acid, an amino acid with similar properties. This amino acid position is highly conserved in available vertebrate species. In addition, this alteration is predicted to be deleterious by in silico analysis. Since supporting evidence is limited at this time, the clinical significance of this alteration remains unclear.

Labcorp Genetics (formerly Invitae), Labcorp
Classification: Uncertain significance for Familial cancer of breast; Fanconi anemia complementation group J. Last evaluated: 2024-04-27. Review status: criteria provided, single submitter. Criteria: Invitae Variant Classification Sherloc (09022015). Collection method: clinical testing. Allele origin: germline.
Comment: This sequence change replaces glycine, which is neutral and non-polar, with aspartic acid, which is acidic and polar, at codon 649 of the BRIP1 protein (p.Gly649Asp). This variant is present in population databases (rs746066323, gnomAD 0.0009%). This variant has not been reported in the literature in individuals affected with BRIP1-related conditions. ClinVar contains an entry for this variant (Variation ID: 820382). Advanced modeling of protein sequence and biophysical properties (such as structural, functional, and spatial information, amino acid conservation, physicochemical variation, residue mobility, and thermodynamic stability) performed at Invitae indicates that this missense variant is expected to disrupt BRIP1 protein function with a positive predictive value of 80%. In summary, the available evidence is currently insufficient to determine the role of this variant in disease. Therefore, it has been classified as a Variant of Uncertain Significance.

Color Diagnostics, LLC DBA Color Health
Classification: Uncertain significance for Hereditary cancer-predisposing syndrome. Last evaluated: 2024-03-06. Review status: criteria provided, single submitter. Criteria: ACMG Guidelines, 2015. Collection method: clinical testing. Allele origin: germline.
Comment: This missense variant replaces glycine with aspartic acid at codon 649 of the BRIP1 protein. Computational prediction suggests that this variant may have deleterious impact on protein structure and function (internally defined REVEL score threshold >= 0.7, PMID: 27666373). Splice site prediction tools suggest that this variant may not impact RNA splicing. To our knowledge, functional studies have not been performed for this variant. This variant has not been reported in individuals affected with hereditary cancer in the literature. This variant has been identified in 1/251286 chromosomes in the general population by the Genome Aggregation Database (gnomAD). The available evidence is insufficient to determine the role of this variant in disease conclusively. Therefore, this variant is classified as a Variant of Uncertain Significance.

NM_032043.3(BRIP1):c.1946G>A (p.Gly649Asp)

Gene: BRIP1 (BRCA1 interacting DNA helicase 1; minus strand). Cytogenetic location: 17q23.2.
Variant type: single nucleotide variant.
Coding change: c.1946G>A on transcript NM_032043.3 (MANE Select); coding-DNA position 1946, G replaced by A.
Protein change: p.Gly649Asp; replaces glycine 649 with aspartic acid.
Molecular consequence: missense variant.
Genome position (GRCh38, 1-based): chr17:61,776,552, C>T on the plus strand (G>A on the coding strand, the complement: BRIP1 is on the minus strand). VCF-style: chr17-61776552-C-T. GRCh37 (hg19) VCF-style: chr17-59853913-C-T.
Other names: short protein forms G649D.
Identifiers: ClinVar variation 820382 (VCV000820382.19), dbSNP rs746066323, ClinGen allele CA8690618.